The following is an entry in ClinVar:

NM_000276.4(OCRL):c.952C>T (p.Arg318Cys)

Gene: OCRL (OCRL inositol polyphosphate-5-phosphatase; plus strand). Cytogenetic location: Xq26.1.
Variant type: single nucleotide variant.
Coding change: c.952C>T on transcript NM_000276.4 (MANE Select); coding-DNA position 952, C replaced by T.
Protein change: p.Arg318Cys; replaces arginine 318 with cysteine.
Molecular consequence: missense variant.
Genome position (GRCh38, 1-based): chrX:129,562,396, C>T. VCF-style: chrX-129562396-C-T. GRCh37 (hg19) VCF-style: chrX-128696373-C-T.
Other names: R301C; c.955C>T, p.Arg319Cys (NM_001318784.2); c.952C>T, p.Arg318Cys (NM_001587.4); short protein forms R318C, R319C.
Identifiers: ClinVar variation 10861 (VCV000010861.14), dbSNP rs137853263, ClinGen allele CA266168.

ClinVar aggregate classification (germline): Pathogenic/Likely pathogenic. Review status: criteria provided, multiple submitters, no conflicts (2 of 4 stars). 8 submissions from 8 submitters: Pathogenic (3); Likely pathogenic (1). 4 of the submissions do not count toward it. Last evaluated 2025-10-03.

Conditions:
OCRL-related disorder. Also called: OCRL-related condition.
Lowe syndrome (OCRL). Also called: Oculocerebrorenal Syndrome; LOWE OCULOCEREBRORENAL SYNDROME; PHOSPHATIDYLINOSITOL 4,5-BISPHOSPHATE 5-PHOSPHATASE DEFICIENCY. Identifiers: Orphanet 534, MedGen C0028860, MONDO:0010645, OMIM 309000.
Dent disease type 2. Identifiers: Orphanet 1652, Orphanet 93623, MedGen C1845167, MONDO:0010359, OMIM 300555.

Submissions (8):

Rare Kidney Stone Consortium and the Mayo Clinic Hyperoxaluria Center, Mayo Clinic
Classification: Pathogenic for Dent disease type 2; Lowe syndrome. Last evaluated: 2025-10-03. Review status: criteria provided, single submitter. Criteria: ACMG Guidelines, 2015. Collection method: research. Allele origin: germline. Affected: yes. Observed: 1 variant allele.
Comment: ACMG:PM1, PM2, PM5, PP3, PP5

Genetics and Genomic Medicine Centre, NeuroGen Healthcare, NeuroGen Healthcare
Classification: Pathogenic for Dent disease type 2. Last evaluated: 2025-03-25. Review status: criteria provided, single submitter. Criteria: ACMG Guidelines, 2015. Collection method: clinical testing. Allele origin: unknown. Affected: yes.

Neuberg Centre For Genomic Medicine, NCGM
Classification: Pathogenic for Dent disease type 2. Last evaluated: 2023-05-20. Review status: criteria provided, single submitter. Criteria: ACMG Guidelines, 2015. Collection method: clinical testing. Allele origin: germline. Inheritance: X-linked recessive inheritance. Affected: yes.
Comment: The missense variant c.952C>T(p.Arg318Cys) in OCRL gene has been reported in individuals affected with dent disease (Zhang et al. 2022; Rodrick et. al., 2015). Experimental studies reveals that this missense change affects the function of OCRL gene (Rodrick et. al., 2015). The observed variant is absent in gnomAD exomes database. This variant has been submitted to the ClinVar databaseas Likely Pathogenic. The amino acid change p.Arg318Cys in OCRL is predicted as conserved by GERP++ and PhyloP across 100 vertebrates. Multiple lines of computational evidence (Polyphen - probably damaging , SIFT - damaging and MutationTaster - disease causing) predict a damaging effect on protein structure and function for this variant. The amino acid Arg at position 318 is changed to a Cys changing protein sequence and it might alter its composition and physico-chemical properties. For these reasons, this variant has been classified as Pathogenic.

Eurofins Ntd Llc (ga)
Classification: Likely pathogenic. Last evaluated: 2017-01-20. Review status: criteria provided, single submitter. Criteria: EGL Classification Definitions 2015. Collection method: clinical testing. Allele origin: germline. Observed: 1 variant allele, 1 hemizygote.

PreventionGenetics, part of Exact Sciences
Classification: Pathogenic for OCRL-related condition. Last evaluated: 2024-06-25. Review status: no assertion criteria provided. Collection method: clinical testing. Allele origin: germline. Not counted in ClinVar's aggregate classification.
Comment: The OCRL c.952C>T variant is predicted to result in the amino acid substitution p.Arg318Cys. This variant has been repeatedly reported in individuals with Dent disease (reported as R301C in Hoopes et al. 2005. PubMed ID: 15627218; Hichri et al. 2011. PubMed ID: 21031565; Bezdíčka et al. 2020. PubMed ID: 33194915; Gianesello et al. 2021. PubMed ID: 34680992; Zhang et al. 2022. PubMed ID: 35919034; Mura-Escorche et al. 2023. PubMed ID: 38002082). This variant has not been reported in a large population database, indicating this variant is rare. Of note, different substitutions at the same codon have been reported in individuals with OCRL-related diseases (see for example, p.Arg318His in Ye et al. 2020. PubMed ID: 31674016 and Gianesello et al. 2021. PubMed ID: 34680992; p.Arg318Leu in Zhang et al. 2022. PubMed ID: 35919034 and Gianesello et al. 2021. PubMed ID: 34680992). The c.952C>T (p.Arg318Cys) variant is interpreted as pathogenic.

OMIM
Classification: Pathogenic for DENT DISEASE 2. Last evaluated: 2021-08-06. Review status: no assertion criteria provided. Collection method: literature only. Allele origin: germline. Not counted in ClinVar's aggregate classification.

GeneReviews
No classification provided. Condition: Dent disease type 2. Review status: no classification provided. Collection method: literature only. Allele origin: germline. Affected: yes. Not counted in ClinVar's aggregate classification.

UniProtKB/Swiss-Prot
No classification provided. Condition: Lowe syndrome. Review status: no classification provided. Collection method: not provided. Allele origin: germline. Not counted in ClinVar's aggregate classification.

Literature cited by the submitters: PubMed 15627218 (cited by Rare Kidney Stone Consortium and the Mayo Clinic Hyperoxaluria Center, Mayo Clinic and GeneReviews); PubMed 21031565 (cited by Rare Kidney Stone Consortium and the Mayo Clinic Hyperoxaluria Center, Mayo Clinic and GeneReviews); PubMed 33194915 (cited by Rare Kidney Stone Consortium and the Mayo Clinic Hyperoxaluria Center, Mayo Clinic); PubMed 34680992 (cited by Rare Kidney Stone Consortium and the Mayo Clinic Hyperoxaluria Center, Mayo Clinic); PubMed 35919034 (cited by Rare Kidney Stone Consortium and the Mayo Clinic Hyperoxaluria Center, Mayo Clinic); PubMed 38002082 (cited by Rare Kidney Stone Consortium and the Mayo Clinic Hyperoxaluria Center, Mayo Clinic); PubMed 38726999 (cited by Rare Kidney Stone Consortium and the Mayo Clinic Hyperoxaluria Center, Mayo Clinic); PubMed 39582457 (cited by Rare Kidney Stone Consortium and the Mayo Clinic Hyperoxaluria Center, Mayo Clinic); PubMed 40133227 (cited by Rare Kidney Stone Consortium and the Mayo Clinic Hyperoxaluria Center, Mayo Clinic); PubMed 40794449 (cited by Rare Kidney Stone Consortium and the Mayo Clinic Hyperoxaluria Center, Mayo Clinic); Hoopes, R. R., Shrimpton, A. E., Knohl, S. J., Hueber, P., Hoppe, B., Matyus, J., Simckes, A., Tasic, V., Toenshoff, B., Suchy, S. F., Nussbaum, R. L., Scheinman, S. J. Dent disease with mutations in OCRL1. Am. J. Hum. Genet. 76: 260-267, 2005. Note: Erratum: Am. J. Hum. Genet. 81: 634 only, 2007. (cited by OMIM); PubMed 27625797 (cited by OMIM); PubMed 17162149 (cited by GeneReviews); PubMed 17384968 (cited by GeneReviews); PubMed 24081861 (cited by GeneReviews); DOI 10.3233/PGE-2012-005 (cited by GeneReviews); NCBI Bookshelf NBK99494 (cited by GeneReviews).